The following is an entry in ClinVar:

NM_001368067.1(LDB3):c.349G>A (p.Asp117Asn)

Genes: LDB3 (LIM domain binding 3; plus strand), LOC110121486 (VISTA enhancer hs2143; plus strand). Cytogenetic location: 10q23.2.
Variant type: single nucleotide variant.
Coding change: c.349G>A on transcript NM_001368067.1 (MANE Plus Clinical); coding-DNA position 349, G replaced by A.
Protein change: p.Asp117Asn; replaces aspartic acid 117 with asparagine.
Molecular consequence: missense variant. On other transcripts: intron variant (5).
Genome position (GRCh38, 1-based): chr10:86,687,073, G>A. VCF-style: chr10-86687073-G-A. GRCh37 (hg19) VCF-style: chr10-88446830-G-A.
Other names: p.D232N:GAC>AAC; LDB3, ASP117ASN (rs121908338); c.349G>A, p.Asp117Asn (NM_001080116.1, NM_001080114.2, NM_001368066.1 and 1 more transcripts); c.694G>A, p.Asp232Asn (NM_001171610.2, NM_001171611.2); c.690-4823G>A (NM_001368064.1, NM_001368063.1, NM_007078.3 and 2 more transcripts); short protein forms D117N, D232N.
Identifiers: ClinVar variation 4733 (VCV000004733.70), dbSNP rs121908338, ClinGen allele CA249992.

ClinVar aggregate classification (germline): Conflicting classifications of pathogenicity. Review status: criteria provided, conflicting classifications (1 of 4 stars). 23 submissions from 23 submitters: Uncertain significance (1); Benign (12); Likely benign (3). 7 of the submissions do not count toward it. Last evaluated 2026-09-01.

Conditions:
Cardiovascular phenotype. Identifiers: MedGen CN230736.
Primary dilated cardiomyopathy (DCM). Also called: Dilated Cardiomyopathy. Identifiers: Orphanet 217604, MedGen C0007193, MeSH D002311, MONDO:0005021, HP:0001644. Inheritance: Various modes of inheritance.
Dilated cardiomyopathy 1C (CMD1C). Also called: CARDIOMYOPATHY, DILATED, 1C, WITH OR WITHOUT LEFT VENTRICULAR NONCOMPACTION; Cardiomyopathy, dilated, 1C, with or without LVNC. Identifiers: Orphanet 154, Orphanet 54260, MedGen C1832244, MONDO:0011094, OMIM 601493.
Myofibrillar myopathy 4. Also called: Zaspopathy (type). Identifiers: Orphanet 98912, MedGen C4721886, MONDO:0012277, OMIM 609452.

Allele frequency attached by ClinVar (database versions not stated): 1000 Genomes Project 30x 0.00812; gnomAD 0.00584; TOPMed 0.00821; 1000 Genomes Project 0.00779.
gnomAD v4.1: 6,073 of 1,613,780 alleles (0.38%); highest among the groups gnomAD compares: Middle Eastern, 3.8%; 39 homozygotes.

Submissions (23):

CeGaT Center for Human Genetics Tuebingen
Classification: Benign. Last evaluated: 2026-09-01. Review status: criteria provided, single submitter. Criteria: CeGaT Center For Human Genetics Tuebingen Variant Classification Criteria Version 2. Collection method: clinical testing. Allele origin: germline. Affected: yes. Observed: 15 variant alleles.
Comment: LDB3: BP4, BS1, BS2

Labcorp Genetics (formerly Invitae), Labcorp
Classification: Benign for Myofibrillar myopathy 4. Last evaluated: 2026-02-01. Review status: criteria provided, single submitter. Criteria: Invitae Variant Classification Sherloc (09022015). Collection method: clinical testing. Allele origin: germline.

Genomic Medicine Center of Excellence, King Faisal Specialist Hospital and Research Centre
Classification: Likely benign for Myofibrillar myopathy 4. Last evaluated: 2025-07-30. Review status: criteria provided, single submitter. Criteria: ACMG Guidelines, 2015. Collection method: clinical testing. Allele origin: germline.

ARUP Laboratories, Molecular Genetics and Genomics, ARUP Laboratories
Classification: Benign. Last evaluated: 2025-05-20. Review status: criteria provided, single submitter. Criteria: ARUP Molecular Germline Variant Investigation Process 2024. Collection method: clinical testing. Allele origin: germline.

Blueprint Genetics
Classification: Likely benign. Last evaluated: 2024-11-26. Review status: criteria provided, single submitter. Criteria: ACMG Guidelines, 2015. Collection method: clinical testing. Allele origin: germline.

Athena Diagnostics
Classification: Benign. Last evaluated: 2020-01-02. Review status: criteria provided, single submitter. Criteria: Athena Diagnostics Criteria. Collection method: clinical testing. Allele origin: unknown.

GeneDx
Classification: Benign. Last evaluated: 2018-12-03. Review status: criteria provided, single submitter. Criteria: GeneDx Variant Classification Process June 2021. Collection method: clinical testing. Allele origin: germline. Affected: yes.
Comment: This variant is associated with the following publications: (PMID: 14662268, 26636822, 26419279, 28416588, 22929165, 23299917, 22995991, 22619057, 27884173, 27896284, 30293248, 30972196, 25214167)

Mayo Clinic Laboratories, Mayo Clinic
Classification: Benign. Last evaluated: 2018-10-18. Review status: criteria provided, single submitter. Criteria: ACMG Guidelines, 2015. Collection method: clinical testing. Allele origin: germline. Observed: 27 variant alleles.

Illumina Laboratory Services, Illumina
Classification: Uncertain significance for Dilated cardiomyopathy 1C. Last evaluated: 2017-04-27. Review status: criteria provided, single submitter. Criteria: ICSL Variant Classification Criteria 13 December 2019. Collection method: clinical testing. Allele origin: germline.

Center for Advanced Laboratory Medicine, UC San Diego Health, University of California San Diego
Classification: Benign for Dilated cardiomyopathy. Last evaluated: 2017-02-28. Review status: criteria provided, single submitter. Criteria: ACMG Guidelines, 2015. Collection method: clinical testing. Allele origin: germline. Affected: yes. Observed: 1 variant allele.

Center for Pediatric Genomic Medicine, Children's Mercy Hospital and Clinics
Classification: Likely benign. Last evaluated: 2016-04-01. Review status: criteria provided, single submitter. Criteria: ACMG Guidelines, 2015. Collection method: clinical testing. Allele origin: germline.
ClinVar note: Converted during submission from Likely Benign to Likely benign.

Ambry Genetics
Classification: Benign for Cardiovascular phenotype. Last evaluated: 2016-01-11. Review status: criteria provided, single submitter. Criteria: Ambry Variant Classification Scheme 2023. Collection method: clinical testing. Allele origin: germline.

Eurofins Ntd Llc (ga)
Classification: Benign. Last evaluated: 2015-01-23. Review status: criteria provided, single submitter. Criteria: EGL Classification Definitions 2015. Collection method: clinical testing. Allele origin: germline. Observed: 1 variant allele, 1 heterozygote.

Laboratory for Molecular Medicine, Mass General Brigham Personalized Medicine
Classification: Benign. Last evaluated: 2013-08-07. Review status: criteria provided, single submitter. Criteria: LMM Criteria. Collection method: clinical testing. Allele origin: germline. Observed: 43 variant alleles.
Comment: Asp117Asn in exon 6 of LDB3: This variant is not expected to have clinical signi ficance because it has been identified in 1.3% (51/4090) of African American chr omosomes from a broad population by the NHLBI Exome Sequencing Project (dbSNP rs121908338). It has been reported in 2 individu als with DCM and 1 individual with LVNC (Vatta 2002, Xi 2012). In vitro studies suggest that it may have functional consequences (Xi 2012), though it should be noted that in vitro studies may not accurately represent biological function and /or may not translate to disease. In summary, the frequency of this variant in the general population suggests that it does not cause disease on its own. It re mains possible that it modifies disease expression.

Biesecker Lab/Clinical Genomics Section, National Institutes of Health
Classification: Benign for Cardiomyopathy, dilated. Last evaluated: 2013-06-24. Review status: criteria provided, single submitter. Criteria: Ng et al. (Circ Cardiovasc Genet. 2013). Collection method: research. Allele origin: unknown. Observed: 5 variant alleles. Study: ClinSeq.
Comment: The study set was not selected for affection status in relation to any cancer. Pathogenicity categories were based on literature curation. See Pubmed ID:23861362 for details.

Medical sequencing

PreventionGenetics, part of Exact Sciences
Classification: Benign. Review status: criteria provided, single submitter. Criteria: ACMG Guidelines, 2015. Collection method: clinical testing. Allele origin: germline.

OMIM
Classification: Uncertain significance for RECLASSIFIED - VARIANT OF UNKNOWN SIGNIFICANCE. Last evaluated: 2003-12-03. Review status: no assertion criteria provided. Collection method: literature only. Allele origin: germline. Not counted in ClinVar's aggregate classification.

Clinical Genetics DNA and cytogenetics Diagnostics Lab, Erasmus MC, Erasmus Medical Center
Classification: Likely benign. Review status: no assertion criteria provided. Collection method: clinical testing. Allele origin: germline. Affected: yes. Study: VKGL Data-share Consensus. Not counted in ClinVar's aggregate classification.

Clinical Genetics, Academic Medical Center
Classification: Benign. Review status: no assertion criteria provided. Collection method: clinical testing. Allele origin: germline. Affected: yes. Study: VKGL Data-share Consensus. Not counted in ClinVar's aggregate classification.

Diagnostic Laboratory, Department of Genetics, University Medical Center Groningen
Classification: Likely benign. Review status: no assertion criteria provided. Collection method: clinical testing. Allele origin: germline. Affected: yes. Study: VKGL Data-share Consensus. Not counted in ClinVar's aggregate classification.

Genome Diagnostics Laboratory, University Medical Center Utrecht
Classification: Benign. Review status: no assertion criteria provided. Collection method: clinical testing. Allele origin: germline. Affected: yes. Study: VKGL Data-share Consensus. Not counted in ClinVar's aggregate classification.

Joint Genome Diagnostic Labs from Nijmegen and Maastricht, Radboudumc and MUMC+
Classification: Benign. Review status: no assertion criteria provided. Collection method: clinical testing. Allele origin: germline. Affected: yes. Study: VKGL Data-share Consensus. Not counted in ClinVar's aggregate classification.

Laboratory of Diagnostic Genome Analysis, Leiden University Medical Center (LUMC)
Classification: Likely benign. Review status: no assertion criteria provided. Collection method: clinical testing. Allele origin: germline. Affected: yes. Study: VKGL Data-share Consensus. Not counted in ClinVar's aggregate classification.

Literature cited by the submitters: PubMed 26419279 (cited by Athena Diagnostics and OMIM); PubMed 26636822 (cited by Athena Diagnostics); PubMed 27561770 (cited by Athena Diagnostics); PubMed 27896284 (cited by Athena Diagnostics); PubMed 14662268 (cited by 3 submitters); PubMed 22619057 (cited by Athena Diagnostics); PubMed 22929165 (cited by Athena Diagnostics and Laboratory for Molecular Medicine, Mass General Brigham Personalized Medicine); PubMed 22995991 (cited by Athena Diagnostics); PubMed 23299917 (cited by Athena Diagnostics); PubMed 22464770 (cited by Athena Diagnostics).